The following is an entry in ClinVar:

NM_032043.3(BRIP1):c.3547A>G (p.Arg1183Gly)

Gene: BRIP1 (BRCA1 interacting DNA helicase 1; minus strand). Cytogenetic location: 17q23.2.
Variant type: single nucleotide variant.
Coding change: c.3547A>G on transcript NM_032043.3 (MANE Select); coding-DNA position 3547, A replaced by G.
Protein change: p.Arg1183Gly; replaces arginine 1183 with glycine.
Molecular consequence: missense variant.
Genome position (GRCh38, 1-based): chr17:61,683,499, T>C on the plus strand (A>G on the coding strand, the complement: BRIP1 is on the minus strand). VCF-style: chr17-61683499-T-C. GRCh37 (hg19) VCF-style: chr17-59760860-T-C.
Other names: short protein forms R1183G.
Identifiers: ClinVar variation 4629902 (VCV004629902.1).

ClinVar aggregate classification (germline): Uncertain significance (1 of 4 stars; one submission).

Conditions:
Hereditary cancer-predisposing syndrome. Also called: Neoplastic Syndromes, Hereditary; Tumor predisposition; Hereditary Cancer Syndrome; Hereditary neoplastic syndrome. Identifiers: Orphanet 140162, MedGen C0027672, MeSH D009386, MONDO:0015356.

Submission:

Ambry Genetics
Classification: Uncertain significance for Hereditary cancer-predisposing syndrome. Last evaluated: 2025-09-18. Review status: criteria provided, single submitter. Criteria: Ambry Variant Classification Scheme 2023. Collection method: clinical testing. Allele origin: germline.
Comment: The p.R1183G variant (also known as c.3547A>G), located in coding exon 19 of the BRIP1 gene, results from an A to G substitution at nucleotide position 3547. The arginine at codon 1183 is replaced by glycine, an amino acid with dissimilar properties. This amino acid position is conserved. In addition, this alteration is predicted to be tolerated by in silico analysis. Based on the available evidence, the clinical significance of this variant remains unclear.